The following is an entry in ClinVar:

ClinVar aggregate classification (germline): Uncertain significance (1 of 4 stars; one submission).

gnomAD v4.1: 2 of 1,585,332 alleles (0.00013%); highest among the groups gnomAD compares: Non-Finnish European, 0.00017%; no homozygotes.

Submission:

Labcorp Genetics (formerly Invitae), Labcorp
Classification: Uncertain significance. Last evaluated: 2024-03-08. Review status: criteria provided, single submitter. Criteria: Invitae Variant Classification Sherloc (09022015). Collection method: clinical testing. Allele origin: germline.
Comment: This sequence change replaces proline, which is neutral and non-polar, with threonine, which is neutral and polar, at codon 152 of the COL9A3 protein (p.Pro152Thr). This variant is present in population databases (rs749967158, gnomAD 0.0009%). This variant has not been reported in the literature in individuals affected with COL9A3-related conditions. Advanced modeling of protein sequence and biophysical properties (such as structural, functional, and spatial information, amino acid conservation, physicochemical variation, residue mobility, and thermodynamic stability) performed at Invitae indicates that this missense variant is not expected to disrupt COL9A3 protein function with a negative predictive value of 95%. In summary, the available evidence is currently insufficient to determine the role of this variant in disease. Therefore, it has been classified as a Variant of Uncertain Significance.

NM_001853.4(COL9A3):c.454C>A (p.Pro152Thr)

Gene: COL9A3 (collagen type IX alpha 3 chain; plus strand). Cytogenetic location: 20q13.33.
Variant type: single nucleotide variant.
Coding change: c.454C>A on transcript NM_001853.4 (MANE Select); coding-DNA position 454, C replaced by A.
Protein change: p.Pro152Thr; replaces proline 152 with threonine.
Molecular consequence: missense variant.
Genome position (GRCh38, 1-based): chr20:62,822,141, C>A. VCF-style: chr20-62822141-C-A. GRCh37 (hg19) VCF-style: chr20-61453493-C-A.
Other names: short protein forms P152T.
Identifiers: ClinVar variation 3621352 (VCV003621352.2).